The following is an entry in ClinVar:

NM_000059.4(BRCA2):c.9289T>C (p.Cys3097Arg)

Gene: BRCA2 (BRCA2 DNA repair associated; plus strand). Cytogenetic location: 13q13.1.
Variant type: single nucleotide variant.
Coding change: c.9289T>C on transcript NM_000059.4 (MANE Select); coding-DNA position 9289, T replaced by C.
Protein change: p.Cys3097Arg; replaces cysteine 3097 with arginine.
Molecular consequence: missense variant. On other transcripts: non-coding transcript variant (1).
Genome position (GRCh38, 1-based): chr13:32,394,721, T>C. VCF-style: chr13-32394721-T-C. GRCh37 (hg19) VCF-style: chr13-32968858-T-C.
Other names: c.9193T>C, p.Cys3065Arg (NM_001406719.1); c.9238T>C, p.Cys3080Arg (NM_001406720.1); c.4357T>C, p.Cys1453Arg (NM_001406721.1); c.2872T>C, p.Cys958Arg (NM_001406722.1); short protein forms C3097R, C1453R, C958R, C3065R, C3080R.
Identifiers: ClinVar variation 2821692 (VCV002821692.3), dbSNP rs2137652207, ClinGen allele CA387760840.

ClinVar aggregate classification (germline): Uncertain significance (1 of 4 stars; one submission).

Conditions:
Hereditary breast ovarian cancer syndrome. Also called: Hereditary breast and/or ovarian cancer syndrome; Hereditary breast and ovarian cancer; Hereditary breast and ovarian cancer syndrome; Breast and ovarian cancer; Hereditary breast and ovarian cancer syndrome (HBOC); BRCA1- and BRCA2-Associated Hereditary Breast and Ovarian Cancer. Identifiers: Orphanet 145, MedGen C0677776, MeSH D061325, MONDO:0003582. Disease mechanism: loss of function.

Submission:

Labcorp Genetics (formerly Invitae), Labcorp
Classification: Uncertain significance for Hereditary breast ovarian cancer syndrome. Last evaluated: 2022-12-17. Review status: criteria provided, single submitter. Criteria: Invitae Variant Classification Sherloc (09022015). Collection method: clinical testing. Allele origin: germline.
Comment: This variant is not present in population databases (gnomAD no frequency). This sequence change replaces cysteine, which is neutral and slightly polar, with arginine, which is basic and polar, at codon 3097 of the BRCA2 protein (p.Cys3097Arg). This variant has not been reported in the literature in individuals affected with BRCA2-related conditions. In summary, the available evidence is currently insufficient to determine the role of this variant in disease. Therefore, it has been classified as a Variant of Uncertain Significance. Advanced modeling of protein sequence and biophysical properties (such as structural, functional, and spatial information, amino acid conservation, physicochemical variation, residue mobility, and thermodynamic stability) performed at Invitae indicates that this missense variant is not expected to disrupt BRCA2 protein function.